The following is an entry in ClinVar:

ClinVar aggregate classification (germline): Uncertain significance (1 of 4 stars; one submission).

Allele frequency attached by ClinVar (database versions not stated): gnomAD exomes below 0.00001.
gnomAD v4.1: 1 of 1,610,990 alleles (0.000062%); highest among the groups gnomAD compares: African/African-American, 0.0013%; no homozygotes.

Submission:

Ambry Genetics
Classification: Uncertain significance. Last evaluated: 2024-11-18. Review status: criteria provided, single submitter. Criteria: Ambry Variant Classification Scheme 2023. Collection method: clinical testing. Allele origin: germline.
Comment: The p.V750A variant (also known as c.2249T>C), located in coding exon 15 of the RINT1 gene, results from a T to C substitution at nucleotide position 2249. The valine at codon 750 is replaced by alanine, an amino acid with similar properties. This amino acid position is conserved. In addition, this alteration is predicted to be tolerated by in silico analysis. Since supporting evidence is limited at this time, the clinical significance of this alteration remains unclear.

NM_021930.6(RINT1):c.2249T>C (p.Val750Ala)

Genes: EFCAB10 (EF-hand calcium binding domain 10; minus strand), RINT1 (RAD50 interactor 1; plus strand). Cytogenetic location: 7q22.3.
Variant type: single nucleotide variant.
Coding change: c.2249T>C on transcript NM_021930.6 (MANE Select); coding-DNA position 2249, T replaced by C.
Protein change: p.Val750Ala; replaces valine 750 with alanine.
Molecular consequence: missense variant. On other transcripts: 3 prime UTR variant (2), non-coding transcript variant (1), intron variant (3).
Genome position (GRCh38, 1-based): chr7:105,567,181, T>C. VCF-style: chr7-105567181-T-C. GRCh37 (hg19) VCF-style: chr7-105207628-T-C.
Other names: c.*273A>G (NM_001355527.2, NM_001355529.2); c.2015T>C, p.Val672Ala (NM_001346599.2); c.1226T>C, p.Val409Ala (NM_001346600.2, NM_001346603.2); c.1325T>C, p.Val442Ala (NM_001346601.2); c.360-1734A>G (NM_001355531.2); c.383+286A>G (NM_001355526.2, NM_001355530.2); short protein forms V672A, V750A, V409A, V442A.
Identifiers: ClinVar variation 1788384 (VCV001788384.3), dbSNP rs2485202169, ClinGen allele CA368815483.